The following is an entry in ClinVar:

NM_000535.7(PMS2):c.125T>G (p.Leu42Ter)

Gene: PMS2 (PMS1 homolog 2, mismatch repair system component; minus strand). Cytogenetic location: 7p22.1.
Variant type: single nucleotide variant.
Coding change: c.125T>G on transcript NM_000535.7 (MANE Select); coding-DNA position 125, T replaced by G.
Protein change: p.Leu42Ter; replaces leucine 42 with a stop codon.
Molecular consequence: nonsense. On other transcripts: 5 prime UTR variant (8), non-coding transcript variant (1), intron variant (3).
Genome position (GRCh38, 1-based): chr7:6,005,930, A>C on the plus strand (T>G on the coding strand, the complement: PMS2 is on the minus strand). VCF-style: chr7-6005930-A-C. GRCh37 (hg19) VCF-style: chr7-6045561-A-C.
Other names: c.-281T>G (NM_001018040.1, NM_001322003.2, NM_001322005.2 and 11 more transcripts); c.125T>G, p.Leu42Ter (NM_001322006.2, NM_001322014.2, NM_001406868.1 and 10 more transcripts); c.-91T>G (NM_001322007.2, NM_001406876.1, NM_001406883.1 and 4 more transcripts); c.-760T>G (NM_001322011.2, NM_001322012.2); c.-360T>G (NM_001322015.2, NM_001406875.1, NM_001406877.1 and 2 more transcripts); c.311T>G, p.Leu104Ter (NM_001406866.1); c.-307T>G (NM_001406880.1); c.-228T>G (NM_001406888.1, NM_001406889.1, NM_001406892.1 and 5 more transcripts); and 4 more; short protein forms L104*, L42*.
Identifiers: ClinVar variation 1762828 (VCV001762828.2), dbSNP rs2128844640, ClinGen allele CA366745018.

ClinVar aggregate classification (germline): Pathogenic (1 of 4 stars; one submission).

Conditions:
Hereditary cancer-predisposing syndrome. Also called: Neoplastic Syndromes, Hereditary; Tumor predisposition; Hereditary Cancer Syndrome; Hereditary neoplastic syndrome. Identifiers: Orphanet 140162, MedGen C0027672, MeSH D009386, MONDO:0015356.

Submission:

Ambry Genetics
Classification: Pathogenic for Hereditary cancer-predisposing syndrome. Last evaluated: 2022-05-17. Review status: criteria provided, single submitter. Criteria: Ambry Variant Classification Scheme 2023. Collection method: clinical testing. Allele origin: germline.
Comment: The p.L42* pathogenic mutation (also known as c.125T>G), located in coding exon 2 of the PMS2 gene, results from a T to G substitution at nucleotide position 125. This changes the amino acid from a leucine to a stop codon within coding exon 2. This alteration is expected to result in loss of function by premature protein truncation or nonsense-mediated mRNA decay. As such, this alteration is interpreted as a disease-causing mutation.